The following is an entry in ClinVar:

ClinVar aggregate classification (germline): Pathogenic (1 of 4 stars; one submission).

Conditions:
Luscan-Lumish syndrome. Identifiers: Orphanet 597738, MedGen C4085873, MONDO:0014791, OMIM 616831.

Submission:

Labcorp Genetics (formerly Invitae), Labcorp
Classification: Pathogenic for Luscan-Lumish syndrome. Last evaluated: 2020-09-24. Review status: criteria provided, single submitter. Criteria: Invitae Variant Classification Sherloc (09022015). Collection method: clinical testing. Allele origin: germline.
Comment: For these reasons, this variant has been classified as Pathogenic. Loss-of-function variants in SETD2 are known to be pathogenic (PMID: 24852293, 26084711). This variant has not been reported in the literature in individuals with SETD2-related conditions. This variant is not present in population databases (ExAC no frequency). This sequence change creates a premature translational stop signal (p.Tyr2023*) in the SETD2 gene. It is expected to result in an absent or disrupted protein product.

Literature cited by the submitters: PubMed 24852293; PubMed 26084711.

NM_014159.7(SETD2):c.6069T>A (p.Tyr2023Ter)

Gene: SETD2 (SET domain containing 2, histone lysine methyltransferase; minus strand). Cytogenetic location: 3p21.31.
Variant type: single nucleotide variant.
Coding change: c.6069T>A on transcript NM_014159.7 (MANE Select); coding-DNA position 6069, T replaced by A.
Protein change: p.Tyr2023Ter; replaces tyrosine 2023 with a stop codon.
Molecular consequence: nonsense. On other transcripts: non-coding transcript variant (1).
Genome position (GRCh38, 1-based): chr3:47,067,110, A>T on the plus strand (T>A on the coding strand, the complement: SETD2 is on the minus strand). VCF-style: chr3-47067110-A-T. GRCh37 (hg19) VCF-style: chr3-47108600-A-T.
Other names: c.5937T>A, p.Tyr1979Ter (NM_001349370.3); short protein forms Y1979*, Y2023*.
Identifiers: ClinVar variation 1074219 (VCV001074219.5), dbSNP rs2107600390, ClinGen allele CA352527443.